The following is an entry in ClinVar:

NM_002470.4(MYH3):c.2038A>G (p.Lys680Glu)

Gene: MYH3 (myosin heavy chain 3; minus strand). Cytogenetic location: 17p13.1.
Variant type: single nucleotide variant.
Coding change: c.2038A>G on transcript NM_002470.4 (MANE Select); coding-DNA position 2038, A replaced by G.
Protein change: p.Lys680Glu; replaces lysine 680 with glutamic acid.
Molecular consequence: missense variant.
Genome position (GRCh38, 1-based): chr17:10,641,294, T>C on the plus strand (A>G on the coding strand, the complement: MYH3 is on the minus strand). VCF-style: chr17-10641294-T-C. GRCh37 (hg19) VCF-style: chr17-10544611-T-C.
Other names: short protein forms K680E.
Identifiers: ClinVar variation 4800678 (VCV004800678.1).

ClinVar aggregate classification (germline): Uncertain significance (1 of 4 stars; one submission).

Submission:

Labcorp Genetics (formerly Invitae), Labcorp
Classification: Uncertain significance. Last evaluated: 2025-04-27. Review status: criteria provided, single submitter. Criteria: Invitae Variant Classification Sherloc (09022015). Collection method: clinical testing. Allele origin: germline.
Comment: This sequence change replaces lysine, which is basic and polar, with glutamic acid, which is acidic and polar, at codon 680 of the MYH3 protein (p.Lys680Glu). This variant is not present in population databases (gnomAD no frequency). This variant has not been reported in the literature in individuals affected with MYH3-related conditions. Invitae Evidence Modeling of protein sequence and biophysical properties (such as structural, functional, and spatial information, amino acid conservation, physicochemical variation, residue mobility, and thermodynamic stability) has been performed for this missense variant. However, the output from this modeling did not meet the statistical confidence thresholds required to predict the impact of this variant on MYH3 protein function. In summary, the available evidence is currently insufficient to determine the role of this variant in disease. Therefore, it has been classified as a Variant of Uncertain Significance.